The following is an entry in ClinVar:

ClinVar aggregate classification (germline): Likely pathogenic (1 of 4 stars; one submission).

Conditions:
Congenital myasthenic syndrome 19. Identifiers: Orphanet 590, MedGen C4225235, MONDO:0014745, OMIM 616720.

Submission:

Kariminejad - Najmabadi Pathology & Genetics Center
Classification: Likely pathogenic for Congenital myasthenic syndrome 19. Last evaluated: 2023-05-28. Review status: criteria provided, single submitter. Criteria: ACMG Guidelines, 2015. Collection method: clinical testing. Allele origin: germline. Inheritance: Autosomal recessive inheritance. Affected: yes.
Comment: PVS1- PM2

NM_001368882.1(COL13A1):c.512del (p.Pro171fs)

Gene: COL13A1 (collagen type XIII alpha 1 chain; plus strand). Cytogenetic location: 10q22.1.
Variant type: Deletion.
Coding change: c.512del on transcript NM_001368882.1 (MANE Select); coding-DNA position 512, one base deleted (C; older notation c.512delC).
Protein change: p.Pro171fs; shifts the reading frame from proline 171.
Molecular consequence: frameshift variant. On other transcripts: 5 prime UTR variant (1), intron variant (5).
Genome position (GRCh38, 1-based): chr10:69,880,552, C deleted; the last of 6 consecutive C bases (chr10:69,880,547-69,880,552); deleting any one gives the same sequence. VCF-style (leftmost placement, unchanged base first): chr10-69880546-GC-G. GRCh37 (hg19) VCF-style: chr10-71640302-GC-G.
Other names: c.485del, p.Pro162fs (NM_001130103.2, NM_080800.4, NM_080801.4 and 1 more transcripts); c.512del, p.Pro171fs (NM_001320951.2, NM_001368884.1); c.476del, p.Pro159fs (NM_001368883.1, NM_001368885.1); c.-89del (NM_001368886.1); c.422del, p.Pro141fs (NM_001368895.1); c.400-6904del (NM_080805.4, NM_001368897.1); c.373-6904del (NM_001368898.1, NM_080798.4, NM_001368896.1); c.485delC (NM_001130103.2); short protein forms P141fs, P159fs, P162fs, P171fs.
Identifiers: ClinVar variation 3896817 (VCV003896817.1).